The following is an entry in ClinVar:

ClinVar aggregate classification (germline): Pathogenic (1 of 4 stars; one submission).

Submission:

Quest Diagnostics Nichols Institute San Juan Capistrano
Classification: Pathogenic. Last evaluated: 2022-03-28. Review status: criteria provided, single submitter. Criteria: ACMG/ClinGen CNV Guidelines, 2019. Collection method: clinical testing. Allele origin: unknown.
Comment: The terminal deletion of 5p is consistent with the clinical diagnosis of Cri-du-chat syndrome (OMIM 123450). The main clinical features include a distinctive high-pitched cry, characteristic facial dysmorphism, slow growth, microcephaly, and intellectual disability. The severity of the phenotype varies, and there is some correlation between clinical features and the size of the deletion.

GRCh37/hg19 5p15.33-13.3(chr5:1-32091038)x1

Genes: ADAMTS16 (ADAM metallopeptidase with thrombospondin type 1 motif 16; plus strand), ADCY2 (adenylate cyclase 2; plus strand), AHRR (aryl hydrocarbon receptor repressor; plus strand), ANKH (ANKH inorganic pyrophosphate transport regulator; minus strand), ANKRD33B (ankyrin repeat domain 33B; plus strand) and 68 more. Cytogenetic location: 5p15.33-13.3.
Variant type: copy number loss.
Change: copy number 1 (one copy instead of two) of chr5:1-32,091,038 (32.09 Mb, GRCh37 coordinates, 1-based), cytogenetic band 5p15.33-13.3.
Identifiers: ClinVar variation 1807906 (VCV001807906.1).